The following is an entry in ClinVar:

ClinVar aggregate classification (germline): Pathogenic. Review status: criteria provided, multiple submitters, no conflicts (2 of 4 stars). 3 submissions from 2 submitters: Pathogenic (3). Last evaluated 2025-10-07.

Conditions:
Retinal dystrophy. Also called: Inherited retinal dystrophy. Identifiers: Orphanet 71862, MedGen C0854723, MeSH D058499, MONDO:0019118, HP:0000556.
Severe early-childhood-onset retinal dystrophy (STGD1). Also called: Stargardt macular dystrophy; Juvenile onset macular degeneration; Stargardt disease 1; STGD; MACULAR DYSTROPHY WITH FLECKS, TYPE 1. Identifiers: Orphanet 364055, Orphanet 827, MedGen C1855465, MeSH D000080362, MONDO:0009549, OMIM 248200.

Allele frequency attached by ClinVar (database versions not stated): gnomAD exomes below 0.00001.

Submissions (3):

Labcorp Genetics (formerly Invitae), Labcorp
Classification: Pathogenic. Last evaluated: 2025-10-07. Review status: criteria provided, single submitter. Criteria: Invitae Variant Classification Sherloc (09022015). Collection method: clinical testing. Allele origin: germline.
Comment: This sequence change creates a premature translational stop signal (p.Ser1178Metfs*6) in the ABCA4 gene. It is expected to result in an absent or disrupted protein product. Loss-of-function variants in ABCA4 are known to be pathogenic (PMID: 10958761, 24938718, 25312043, 26780318). This variant is not present in population databases (gnomAD no frequency). This premature translational stop signal has been observed in individual(s) with Stargardt disease (PMID: 10958763). ClinVar contains an entry for this variant (Variation ID: 236103). For these reasons, this variant has been classified as Pathogenic.

Institute of Human Genetics, Univ. Regensburg, Univ. Regensburg
Classification: Pathogenic for Severe early-childhood-onset retinal dystrophy. Last evaluated: 2016-01-01. Review status: criteria provided, single submitter. Criteria: Schulz et al. (Invest Ophthalmol Vis Sci. 2017). Collection method: clinical testing. Allele origin: germline. Affected: yes. Observed: 1 heterozygote.

Institute of Human Genetics, Univ. Regensburg, Univ. Regensburg
Classification: Pathogenic for Retinal dystrophy. Last evaluated: 2013-01-01. Review status: criteria provided, single submitter. Criteria: ACMG Guidelines, 2015. Collection method: clinical testing. Allele origin: germline. Affected: yes.

Literature cited by the submitters: PubMed 10958761 (cited by Labcorp Genetics (formerly Invitae), Labcorp); PubMed 24938718 (cited by Labcorp Genetics (formerly Invitae), Labcorp); PubMed 25312043 (cited by Labcorp Genetics (formerly Invitae), Labcorp); PubMed 26780318 (cited by Labcorp Genetics (formerly Invitae), Labcorp); PubMed 10958763 (cited by Labcorp Genetics (formerly Invitae), Labcorp and Institute of Human Genetics, Univ. Regensburg, Univ. Regensburg).

NM_000350.3(ABCA4):c.3529_3532dup (p.Ser1178fs)

Gene: ABCA4 (ATP binding cassette subfamily A member 4; minus strand). Cytogenetic location: 1p22.1.
Variant type: Duplication.
Coding change: c.3529_3532dup on transcript NM_000350.3 (MANE Select); coding-DNA positions 3529 to 3532, 4 bases duplicated (TGCA; older notation c.3529_3532dupTGCA).
Protein change: p.Ser1178fs; shifts the reading frame from serine 1178.
Molecular consequence: frameshift variant.
Genome position (GRCh38, 1-based): chr1:94,040,118-94,040,121, TGCA duplicated on the plus strand (TGCA on the coding strand, the reverse complement: ABCA4 is on the minus strand). VCF-style (leftmost placement, unchanged base first): chr1-94040117-C-CTGCA. GRCh37 (hg19) VCF-style: chr1-94505673-C-CTGCA.
Other names: c.3307_3310dup, p.Ser1104Metfs (NM_001425324.1); short protein forms S1178fs.
Identifiers: ClinVar variation 236103 (VCV000236103.9), dbSNP rs886044736, ClinGen allele CA10602436.